The following is an entry in ClinVar:

ClinVar aggregate classification (germline): Likely benign. Review status: criteria provided, multiple submitters, no conflicts (2 of 4 stars). 4 submissions from 4 submitters: Likely benign (4). Last evaluated 2025-07-24.

Conditions:
CERT1-related disorder. Also called: CERT1-related condition.
Inborn genetic diseases. Identifiers: MedGen C0950123, MeSH D030342.

Allele frequency attached by ClinVar (database versions not stated): gnomAD 0.00011; gnomAD exomes 0.00016; TOPMed 0.00016; ExAC 0.00017; ESP Exome Variant Server 0.00023; 1000 Genomes Project 30x 0.00031; 1000 Genomes Project 0.00040.
gnomAD v4.1: 254 of 1,606,710 alleles (0.016%); highest among the groups gnomAD compares: East Asian, 0.13%; no homozygotes.

Submissions (4):

PreventionGenetics, part of Exact Sciences
Classification: Likely benign for CERT1-related condition. Last evaluated: 2025-07-24. Review status: criteria provided, single submitter. Criteria: ACMG Guidelines, 2015. Collection method: clinical testing. Allele origin: germline.
Comment: This variant is classified as likely benign based on ACMG/AMP sequence variant interpretation guidelines (Richards et al. 2015 PMID: 25741868, with internal and published modifications).

Blueprint Genetics
Classification: Likely benign. Last evaluated: 2024-10-03. Review status: criteria provided, single submitter. Criteria: ACMG Guidelines, 2015. Collection method: clinical testing. Allele origin: germline.

Ambry Genetics
Classification: Likely benign for Inborn genetic diseases. Last evaluated: 2023-11-21. Review status: criteria provided, single submitter. Criteria: Ambry Variant Classification Scheme 2023. Collection method: clinical testing. Allele origin: germline.

CeGaT Center for Human Genetics Tuebingen
Classification: Likely benign. Last evaluated: 2023-06-01. Review status: criteria provided, single submitter. Criteria: CeGaT Center For Human Genetics Tuebingen Variant Classification Criteria Version 2. Collection method: clinical testing. Allele origin: germline. Affected: yes. Observed: 1 variant allele.
Comment: CERT1: BP4, BS2

NM_001379029.1(CERT1):c.1465A>G (p.Ile489Val)

Gene: CERT1 (ceramide transporter 1; minus strand). Cytogenetic location: 5q13.3.
Variant type: single nucleotide variant.
Coding change: c.1465A>G on transcript NM_001379029.1 (MANE Select); coding-DNA position 1465, A replaced by G.
Protein change: p.Ile489Val; replaces isoleucine 489 with valine.
Molecular consequence: missense variant.
Genome position (GRCh38, 1-based): chr5:75,384,665, T>C on the plus strand (A>G on the coding strand, the complement: CERT1 is on the minus strand). VCF-style: chr5-75384665-T-C. GRCh37 (hg19) VCF-style: chr5-74680490-T-C.
Other names: c.1849A>G, p.Ile617Val (NM_001130105.1); c.1465A>G, p.Ile489Val (NM_001379002.1, NM_005713.3); c.1387A>G, p.Ile463Val (NM_001379003.1, NM_001379004.1, NM_031361.3); short protein forms I463V, I489V, I617V.
Identifiers: ClinVar variation 2655537 (VCV002655537.27), dbSNP rs139096937, ClinGen allele CA3309024.